The following is an entry in ClinVar:

NM_024996.7(GFM1):c.2059C>T (p.Leu687=)

Gene: GFM1 (G elongation factor mitochondrial 1; plus strand). Cytogenetic location: 3q25.32.
Variant type: single nucleotide variant.
Coding change: c.2059C>T on transcript NM_024996.7 (MANE Select); coding-DNA position 2059, C replaced by T.
Protein change: p.Leu687=; no amino-acid change (leucine 687 retained).
Molecular consequence: synonymous variant. On other transcripts: non-coding transcript variant (4).
Genome position (GRCh38, 1-based): chr3:158,690,312, C>T. VCF-style: chr3-158690312-C-T. GRCh37 (hg19) VCF-style: chr3-158408101-C-T.
Other names: c.2116C>T, p.Leu706= (NM_001308164.2); c.1978C>T, p.Leu660= (NM_001374355.1); c.1942C>T, p.Leu648= (NM_001374356.1); c.1834C>T, p.Leu612= (NM_001374357.1); c.1600C>T, p.Leu534= (NM_001374358.1); c.1492C>T, p.Leu498= (NM_001374359.1, NM_001374360.1); c.1375C>T, p.Leu459= (NM_001374361.1); c.2116C>T (NM_001308164.1).
Identifiers: ClinVar variation 391028 (VCV000391028.14), dbSNP rs771619705, ClinGen allele CA2683063.

ClinVar aggregate classification (germline): Benign/Likely benign. Review status: criteria provided, multiple submitters, no conflicts (2 of 4 stars). 3 submissions from 3 submitters: Benign (1); Likely benign (1). 1 of the submissions does not count toward it. Last evaluated 2025-11-22.

Conditions:
GFM1-related disorder. Also called: GFM1-related condition.

Allele frequency attached by ClinVar (database versions not stated): gnomAD 0.00007; gnomAD exomes 0.00011 and 0.00053; TOPMed 0.00024; ExAC 0.00042.

Submissions (3):

Labcorp Genetics (formerly Invitae), Labcorp
Classification: Benign. Last evaluated: 2025-11-22. Review status: criteria provided, single submitter. Criteria: Invitae Variant Classification Sherloc (09022015). Collection method: clinical testing. Allele origin: germline.

GeneDx
Classification: Likely benign. Last evaluated: 2018-08-03. Review status: criteria provided, single submitter. Criteria: GeneDx Variant Classification Process June 2021. Collection method: clinical testing. Allele origin: germline. Affected: yes.

PreventionGenetics, part of Exact Sciences
Classification: Likely benign for GFM1-related condition. Last evaluated: 2020-10-20. Review status: no assertion criteria provided. Collection method: clinical testing. Allele origin: germline. Not counted in ClinVar's aggregate classification.
Comment: This variant is classified as likely benign based on ACMG/AMP sequence variant interpretation guidelines (Richards et al. 2015 PMID: 25741868, with internal and published modifications).